The following is an entry in ClinVar:

NM_001130009.3(GEN1):c.473C>T (p.Thr158Ile)

Gene: GEN1 (GEN1 structure-specific endonuclease; plus strand). Cytogenetic location: 2p24.2.
Variant type: single nucleotide variant.
Coding change: c.473C>T on transcript NM_001130009.3 (MANE Select); coding-DNA position 473, C replaced by T.
Protein change: p.Thr158Ile; replaces threonine 158 with isoleucine.
Molecular consequence: missense variant.
Genome position (GRCh38, 1-based): chr2:17,765,021, C>T. VCF-style: chr2-17765021-C-T. GRCh37 (hg19) VCF-style: chr2-17946288-C-T.
Other names: c.473C>T, p.Thr158Ile (NM_182625.5); short protein forms T158I.
Identifiers: ClinVar variation 4671508 (VCV004671508.1).

ClinVar aggregate classification (germline): Uncertain significance (1 of 4 stars; one submission).

Submission:

Ambry Genetics
Classification: Uncertain significance. Last evaluated: 2025-11-25. Review status: criteria provided, single submitter. Criteria: Ambry Variant Classification Scheme 2023. Collection method: clinical testing. Allele origin: germline.
Comment: The p.T158I variant (also known as c.473C>T), located in coding exon 3 of the GEN1 gene, results from a C to T substitution at nucleotide position 473. The threonine at codon 158 is replaced by isoleucine, an amino acid with similar properties. This amino acid position is conserved. In addition, this alteration is predicted to be tolerated by in silico analysis. Based on the available evidence, the clinical significance of this variant remains unclear.